The following is an entry in ClinVar:

NM_181882.3(PRX):c.2230G>A (p.Glu744Lys)

Gene: PRX (periaxin; minus strand). Cytogenetic location: 19q13.2.
Variant type: single nucleotide variant.
Coding change: c.2230G>A on transcript NM_181882.3 (MANE Select); coding-DNA position 2230, G replaced by A.
Protein change: p.Glu744Lys; replaces glutamic acid 744 with lysine.
Molecular consequence: missense variant. On other transcripts: 3 prime UTR variant (1).
Genome position (GRCh38, 1-based): chr19:40,396,122, C>T on the plus strand (G>A on the coding strand, the complement: PRX is on the minus strand). VCF-style: chr19-40396122-C-T. GRCh37 (hg19) VCF-style: chr19-40902029-C-T.
Other names: c.*2435G>A (NM_020956.2); short protein forms E744K.
Identifiers: ClinVar variation 1330927 (VCV001330927.7), dbSNP rs2145728884, ClinGen allele CA405896719.
Genomic context (GRCh38, chr19:40,396,122, plus strand): 5'-GAACCTTCGGCACTTGCATTTCCGGCAGCCGAATCTCTGACACTTTCGGCAGCTGCACCT[C>T]GGGGAGGTGCACATCGGGCACAGCCATCTCAGGCACCTTGGGGAGTTTTATCTCTGGGAG-3'
Protein context (NP_870998.2, residues 734-754): EMAVPDVHLP[Glu744Lys]VQLPKVSEIR

ClinVar aggregate classification (germline): Uncertain significance (1 of 4 stars; one submission).

Allele frequency attached by ClinVar (database versions not stated): gnomAD exomes below 0.00001.

Submission:

ARUP Laboratories, Molecular Genetics and Genomics, ARUP Laboratories
Classification: Uncertain significance. Last evaluated: 2021-09-10. Review status: criteria provided, single submitter. Criteria: ARUP Molecular Germline Variant Investigation Process 2021. Collection method: clinical testing. Allele origin: germline.
Comment: The PRX c.2230G>A; p.Glu744Lys variant, to our knowledge, is not reported in the medical literature or gene specific databases. This variant is also absent from general population databases (Exome Variant Server, Genome Aggregation Database), indicating it is not a common polymorphism. The glutamine at codon 744 is weakly conserved, and computational analyses predict that this variant is neutral (REVEL: 0.11). However, given the lack of clinical and functional data, the significance of the p.Glu744Lys variant is uncertain at this time.